The following is an entry in ClinVar:

NM_001077365.2(POMT1):c.1907A>G (p.Glu636Gly)

Gene: POMT1 (protein O-mannosyltransferase 1; plus strand). Cytogenetic location: 9q34.13.
Variant type: single nucleotide variant.
Coding change: c.1907A>G on transcript NM_001077365.2 (MANE Select); coding-DNA position 1907, A replaced by G.
Protein change: p.Glu636Gly; replaces glutamic acid 636 with glycine.
Molecular consequence: missense variant. On other transcripts: non-coding transcript variant (10).
Genome position (GRCh38, 1-based): chr9:131,522,128, A>G. VCF-style: chr9-131522128-A-G. GRCh37 (hg19) VCF-style: chr9-134397515-A-G.
Other names: c.1745A>G, p.Glu582Gly (NM_001077366.2, NM_001353194.2); c.1907A>G, p.Glu636Gly (NM_001136113.2); c.1556A>G, p.Glu519Gly (NM_001136114.2, NM_001353195.2, NM_001374691.1 and 2 more transcripts); c.1973A>G, p.Glu658Gly (NM_001353193.2, NM_007171.4); c.1817A>G, p.Glu606Gly (NM_001353196.2); c.1811A>G, p.Glu604Gly (NM_001353197.2, NM_001353198.2); c.1622A>G, p.Glu541Gly (NM_001353199.2); c.1451A>G, p.Glu484Gly (NM_001353200.2); and 3 more; short protein forms E484G, E506G, E519G, E541G, E563G, E582G, E604G, E606G.
Identifiers: ClinVar variation 1053642 (VCV001053642.6), dbSNP rs1322926242, ClinGen allele CA375314405.

ClinVar aggregate classification (germline): Uncertain significance (1 of 4 stars; one submission).

Conditions:
Muscular dystrophy-dystroglycanopathy (congenital with impaired intellectual development), type B, 1. Also called: MUSCULAR DYSTROPHY, CONGENITAL, POMT1-RELATED; Muscular dystrophy-dystroglycanopathy (congenital with intellectual disability), type B1. Identifiers: MedGen C5436962, MONDO:0013159, OMIM 613155.
Autosomal recessive limb-girdle muscular dystrophy type 2K. Also called: MUSCULAR DYSTROPHY-DYSTROGLYCANOPATHY (LIMB-GIRDLE), TYPE C, 1; MUSCULAR DYSTROPHY, LIMB-GIRDLE, TYPE 2K. Identifiers: Orphanet 86812, MedGen C1836373, MONDO:0012248, OMIM 609308.
Walker-Warburg congenital muscular dystrophy. Also called: Muscular dystrophy-dystroglycanopathy, type A; Walker-Warburg syndrome. Identifiers: Orphanet 899, MedGen C0265221, MONDO:0000171.

Allele frequency attached by ClinVar (database versions not stated): gnomAD exomes below 0.00001.
gnomAD v4.1: 6 of 1,614,088 alleles (0.00037%); highest among the groups gnomAD compares: Admixed American, 0.0017%; no homozygotes.

Submission:

Labcorp Genetics (formerly Invitae), Labcorp
Classification: Uncertain significance for Muscular dystrophy-dystroglycanopathy (congenital with impaired intellectual development), type B, 1; Walker-Warburg congenital muscular dystrophy; Autosomal recessive limb-girdle muscular dystrophy type 2K. Last evaluated: 2022-02-18. Review status: criteria provided, single submitter. Criteria: Invitae Variant Classification Sherloc (09022015). Collection method: clinical testing. Allele origin: germline.
Comment: This sequence change replaces glutamic acid, which is acidic and polar, with glycine, which is neutral and non-polar, at codon 658 of the POMT1 protein (p.Glu658Gly). This variant is present in population databases (no rsID available, gnomAD 0.003%). This variant has not been reported in the literature in individuals affected with POMT1-related conditions. ClinVar contains an entry for this variant (Variation ID: 1053642). Algorithms developed to predict the effect of missense changes on protein structure and function (SIFT, PolyPhen-2, Align-GVGD) all suggest that this variant is likely to be tolerated. In summary, the available evidence is currently insufficient to determine the role of this variant in disease. Therefore, it has been classified as a Variant of Uncertain Significance.